The following is an entry in ClinVar:

ClinVar aggregate classification (germline): Uncertain significance. Review status: criteria provided, multiple submitters, no conflicts (2 of 4 stars). 2 submissions from 2 submitters: Uncertain significance (2). Last evaluated 2022-06-10.

Conditions:
Brown-Vialetto-van Laere syndrome 1. Also called: BROWN-VIALETTO-VAN LAERE SYNDROME 1, MILD; BULBAR PALSY, PROGRESSIVE, WITH SENSORINEURAL DEAFNESS; PONTOBULBAR PALSY WITH DEAFNESS. Identifiers: Orphanet 572550, Orphanet 97229, MedGen C0796274, MONDO:0024537, OMIM 211530.
Inborn genetic diseases. Identifiers: MedGen C0950123, MeSH D030342.

Submissions (2):

Labcorp Genetics (formerly Invitae), Labcorp
Classification: Uncertain significance for Brown-Vialetto-van Laere syndrome 1. Last evaluated: 2022-06-10. Review status: criteria provided, single submitter. Criteria: Invitae Variant Classification Sherloc (09022015). Collection method: clinical testing. Allele origin: germline.
Comment: In summary, the available evidence is currently insufficient to determine the role of this variant in disease. Therefore, it has been classified as a Variant of Uncertain Significance. Algorithms developed to predict the effect of missense changes on protein structure and function output the following: SIFT: "Tolerated"; PolyPhen-2: "Benign"; Align-GVGD: "Class C0". The valine amino acid residue is found in multiple mammalian species, which suggests that this missense change does not adversely affect protein function. This variant has not been reported in the literature in individuals affected with SLC52A3-related conditions. This variant is not present in population databases (gnomAD no frequency). This sequence change replaces leucine, which is neutral and non-polar, with valine, which is neutral and non-polar, at codon 388 of the SLC52A3 protein (p.Leu388Val).

Ambry Genetics
Classification: Uncertain significance for Inborn genetic diseases. Last evaluated: 2021-06-04. Review status: criteria provided, single submitter. Criteria: Ambry Variant Classification Scheme 2023. Collection method: clinical testing. Allele origin: germline.
Comment: The p.L388V variant (also known as c.1162C>G), located in coding exon 3 of the SLC52A3 gene, results from a C to G substitution at nucleotide position 1162. The leucine at codon 388 is replaced by valine, an amino acid with highly similar properties. This amino acid position is not well conserved in available vertebrate species. In addition, this alteration is predicted to be tolerated by in silico analysis. Since supporting evidence is limited at this time, the clinical significance of this alteration remains unclear.

NM_033409.4(SLC52A3):c.1162C>G (p.Leu388Val)

Gene: SLC52A3 (solute carrier family 52 member 3; minus strand). Cytogenetic location: 20p13.
Variant type: single nucleotide variant.
Coding change: c.1162C>G on transcript NM_033409.4 (MANE Select); coding-DNA position 1162, C replaced by G.
Protein change: p.Leu388Val; replaces leucine 388 with valine.
Molecular consequence: missense variant.
Genome position (GRCh38, 1-based): chr20:761,736, G>C on the plus strand (C>G on the coding strand, the complement: SLC52A3 is on the minus strand). VCF-style: chr20-761736-G-C. GRCh37 (hg19) VCF-style: chr20-742380-G-C.
Other names: c.1162C>G, p.Leu388Val (NM_001370085.1, NM_001370086.1); short protein forms L388V.
Identifiers: ClinVar variation 1737170 (VCV001737170.7), dbSNP rs1431398048, ClinGen allele CA407962311.